The following is an entry in ClinVar:

NC_000014.8:g.(?_24616908)_(24624921_?)dup

Gene: RNF31 (ring finger protein 31; plus strand). Cytogenetic location: 14q12.
Variant type: Duplication.
Identifiers: ClinVar variation 2426417 (VCV002426417.4).

ClinVar aggregate classification (germline): Uncertain significance (1 of 4 stars; one submission).

Submission:

Labcorp Genetics (formerly Invitae), Labcorp
Classification: Uncertain significance. Last evaluated: 2022-09-19. Review status: criteria provided, single submitter. Criteria: Invitae Variant Classification Sherloc (09022015). Collection method: clinical testing. Allele origin: germline.
Comment: In summary, the available evidence is currently insufficient to determine the role of this variant in disease. Therefore, it has been classified as a Variant of Uncertain Significance. This variant has not been reported in the literature in individuals affected with RNF31-related conditions. This variant results in a copy number gain of the genomic region encompassing exon(s) 1-14 of the RNF31 gene. This region includes the initiator codon of the gene. This copy number gain extends beyond the assayed region for this gene and therefore may encompass additional genes. As the precise location of this event is unknown, it may be in tandem or it may be located elsewhere in the genome.